The following is an entry in ClinVar:

NM_012105.5(BACE2):c.1432G>A (p.Val478Ile)

Genes: BACE2 (beta-secretase 2; plus strand), LOC126653380 (CDK7 strongly-dependent group 2 enhancer GRCh37_chr21:42646500-42647699; plus strand). Cytogenetic location: 21q22.3.
Variant type: single nucleotide variant.
Coding change: c.1432G>A on transcript NM_012105.5 (MANE Select); coding-DNA position 1432, G replaced by A.
Protein change: p.Val478Ile; replaces valine 478 with isoleucine.
Molecular consequence: missense variant. On other transcripts: 3 prime UTR variant (1).
Genome position (GRCh38, 1-based): chr21:41,275,499, G>A. VCF-style: chr21-41275499-G-A. GRCh37 (hg19) VCF-style: chr21-42647426-G-A.
Other names: c.1282G>A, p.Val428Ile (NM_138991.3); c.*72G>A (NM_138992.3); short protein forms V478I, V428I.
Identifiers: ClinVar variation 726927 (VCV000726927.5), dbSNP rs144644942, ClinGen allele CA10032375.

ClinVar aggregate classification (germline): Likely benign. Review status: criteria provided, single submitter (1 of 4 stars). 2 submissions from 2 submitters: Likely benign (1). 1 of the submissions does not count toward it. Last evaluated 2018-08-14.

Conditions:
BACE2-related disorder. Also called: BACE2-related condition.

Allele frequency attached by ClinVar (database versions not stated): gnomAD exomes 0.00013 and 0.00027; ExAC 0.00026; gnomAD 0.00113 and 0.00119; 1000 Genomes Project 0.00140; 1000 Genomes Project 30x 0.00141; ESP Exome Variant Server 0.00146; TOPMed 0.00156.
gnomAD v4.1: 384 of 1,614,100 alleles (0.024%); highest among the groups gnomAD compares: African/African-American, 0.42%; 1 homozygote.

Submissions (2):

Labcorp Genetics (formerly Invitae), Labcorp
Classification: Likely benign. Last evaluated: 2018-08-14. Review status: criteria provided, single submitter. Criteria: Invitae Variant Classification Sherloc (09022015). Collection method: clinical testing. Allele origin: germline.

PreventionGenetics, part of Exact Sciences
Classification: Likely benign for BACE2-related condition. Last evaluated: 2022-07-28. Review status: no assertion criteria provided. Collection method: clinical testing. Allele origin: germline. Not counted in ClinVar's aggregate classification.
Comment: This variant is classified as likely benign based on ACMG/AMP sequence variant interpretation guidelines (Richards et al. 2015 PMID: 25741868, with internal and published modifications).